The following is an entry in ClinVar:

ClinVar aggregate classification (germline): Uncertain significance (1 of 4 stars; one submission).

Conditions:
Gorlin syndrome. Also called: Nevoid Basal Cell Carcinoma Syndrome; Basal cell nevus syndrome. Identifiers: Orphanet 377, MedGen C0004779, MONDO:0007187.

Submission:

Labcorp Genetics (formerly Invitae), Labcorp
Classification: Uncertain significance for Gorlin syndrome. Last evaluated: 2023-12-17. Review status: criteria provided, single submitter. Criteria: Invitae Variant Classification Sherloc (09022015). Collection method: clinical testing. Allele origin: germline.
Comment: This sequence change replaces proline, which is neutral and non-polar, with glutamine, which is neutral and polar, at codon 946 of the PTCH1 protein (p.Pro946Gln). Information on the frequency of this variant in the gnomAD database is not available, as this variant may be reported differently in the database. This variant has not been reported in the literature in individuals affected with PTCH1-related conditions. An algorithm developed to predict the effect of missense changes on protein structure and function (PolyPhen-2) suggests that this variant is likely to be disruptive. In summary, the available evidence is currently insufficient to determine the role of this variant in disease. Therefore, it has been classified as a Variant of Uncertain Significance.

NM_000264.5(PTCH1):c.2837_2838delinsAG (p.Pro946Gln)

Gene: PTCH1 (patched 1; minus strand). Cytogenetic location: 9q22.32.
Variant type: Indel.
Coding change: c.2837_2838delinsAG on transcript NM_000264.5 (MANE Select); coding-DNA positions 2837 to 2838, CA replaced by AG.
Protein change: p.Pro946Gln; replaces proline 946 with glutamine.
Molecular consequence: missense variant. On other transcripts: non-coding transcript variant (1).
Genome position (GRCh38, 1-based): chr9:95,459,649-95,459,650, TG replaced by CT on the plus strand (CA replaced by AG on the coding strand, the reverse complement: PTCH1 is on the minus strand). VCF-style: chr9-95459649-TG-CT. GRCh37 (hg19) VCF-style: chr9-98221931-TG-CT.
Other names: c.2639_2640delinsAG, p.Pro880Gln (NM_001083602.3); c.2834_2835delinsAG, p.Pro945Gln (NM_001083603.3); c.2384_2385delinsAG, p.Pro795Gln (NM_001083604.3, NM_001083605.3, NM_001083606.3 and 1 more transcripts); c.2681_2682delinsAG, p.Pro894Gln (NM_001354918.2); short protein forms P880Q, P894Q, P795Q, P945Q, P946Q.
Identifiers: ClinVar variation 2703737 (VCV002703737.3), dbSNP rs2538078698, ClinGen allele CA2697557894.